The following is an entry in ClinVar:

NM_003334.4(UBA1):c.388G>C (p.Val130Leu)

Gene: UBA1 (ubiquitin like modifier activating enzyme 1; plus strand). Cytogenetic location: Xp11.3.
Variant type: single nucleotide variant.
Coding change: c.388G>C on transcript NM_003334.4 (MANE Select); coding-DNA position 388, G replaced by C.
Protein change: p.Val130Leu; replaces valine 130 with leucine.
Molecular consequence: missense variant.
Genome position (GRCh38, 1-based): chrX:47,199,522, G>C. VCF-style: chrX-47199522-G-C. GRCh37 (hg19) VCF-style: chrX-47058921-G-C.
Other names: c.388G>C, p.Val130Leu (NM_153280.3); short protein forms V130L.
Identifiers: ClinVar variation 533621 (VCV000533621.14), dbSNP rs782523969, ClinGen allele CA10395668.

ClinVar aggregate classification (germline): Benign/Likely benign. Review status: criteria provided, multiple submitters, no conflicts (2 of 4 stars). 3 submissions from 3 submitters: Benign (2); Likely benign (1). Last evaluated 2025-12-02.

Conditions:
Inborn genetic diseases. Identifiers: MedGen C0950123, MeSH D030342.
Infantile-onset X-linked spinal muscular atrophy. Also called: Spinal muscular atrophy, X-linked 2; AMC, DISTAL, X-LINKED; ARTHROGRYPOSIS, X-LINKED, TYPE I; Spinal Muscular Atrophy, X-Linked Infantile; SPINAL MUSCULAR ATROPHY, X-LINKED LETHAL INFANTILE. Identifiers: Orphanet 1145, MedGen C1844934, MONDO:0010532, OMIM 301830.

Allele frequency attached by ClinVar (database versions not stated): ExAC 0.00003; gnomAD exomes 0.00003; TOPMed 0.00009; gnomAD 0.00010.
gnomAD v4.1: 139 of 1,209,996 alleles (0.011%); highest among the groups gnomAD compares: Non-Finnish European, 0.014%; no homozygotes.

Submissions (3):

Women's Health and Genetics/Laboratory Corporation of America, LabCorp
Classification: Benign. Last evaluated: 2025-12-02. Review status: criteria provided, single submitter. Criteria: LabCorp Variant Classification Summary - May 2015. Collection method: clinical testing. Allele origin: germline.
Comment: Variant summary: UBA1 c.388G>C (p.Val130Leu) results in a conservative amino acid change in the encoded protein sequence. Algorithms developed to predict the effect of missense changes on protein structure and function are either unavailable or do not agree on the potential impact of this missense change. The variant allele was found at a frequency of 0.00012 in 1204935 control chromosomes, including 46 hemizygotes. To our knowledge, no occurrence of c.388G>C in individuals affected with UBA1-related conditions and no experimental evidence demonstrating its impact on protein function have been reported. ClinVar contains an entry for this variant (Variation ID: 533621). Based on the evidence outlined above, the variant was classified as benign.

Labcorp Genetics (formerly Invitae), Labcorp
Classification: Benign for Infantile-onset X-linked spinal muscular atrophy. Last evaluated: 2024-10-30. Review status: criteria provided, single submitter. Criteria: Invitae Variant Classification Sherloc (09022015). Collection method: clinical testing. Allele origin: germline.

Ambry Genetics
Classification: Likely benign for Inborn genetic diseases. Last evaluated: 2021-09-30. Review status: criteria provided, single submitter. Criteria: Ambry Variant Classification Scheme 2023. Collection method: clinical testing. Allele origin: germline.